The following is an entry in ClinVar:

ClinVar aggregate classification (germline): Likely pathogenic. Review status: criteria provided, single submitter (1 of 4 stars). 2 submissions from 2 submitters: Likely pathogenic (1). 1 of the submissions does not count toward it. Last evaluated 2021-10-15.

Conditions:
Neurodevelopmental disorder with microcephaly, movement abnormalities, and seizures (NEDMIMS). Identifiers: MedGen C5774208, MONDO:0859282, OMIM 620023.
Microcephaly. Also called: Microcephaly (disease). Identifiers: MedGen C4551563, MONDO:0001149, HP:0000252.
Severe intellectual disability. Identifiers: MedGen C0036857, HP:0010864.
Seizure. Also called: Seizures. Identifiers: MedGen C0036572, HP:0001250.

Allele frequency attached by ClinVar (database versions not stated): ExAC 0.00001; gnomAD exomes below 0.00001.

Submissions (2):

Institute of Human Genetics, University of Leipzig Medical Center
Classification: Likely pathogenic for Severe intellectual disability; Seizure; Microcephaly. Last evaluated: 2021-10-15. Review status: criteria provided, single submitter. Criteria: ACMG Guidelines, 2015. Collection method: research. Allele origin: germline. Affected: yes.
Comment: Criteria applied: PS3, PM2_Supporting, PP3

OMIM
Classification: Pathogenic for NEURODEVELOPMENTAL DISORDER WITH MICROCEPHALY, MOVEMENT ABNORMALITIES, AND SEIZURES. Last evaluated: 2022-09-01. Review status: no assertion criteria provided. Collection method: literature only. Allele origin: germline. Not counted in ClinVar's aggregate classification.

Literature cited by the submitters: DOI 10.1101/2021.10.21.21265050 (cited by Institute of Human Genetics, University of Leipzig Medical Center); PubMed 35202461 (cited by OMIM).

NM_001277.3(CHKA):c.580C>T (p.Pro194Ser)

Gene: CHKA (choline kinase alpha; minus strand). Cytogenetic location: 11q13.2.
Variant type: single nucleotide variant.
Coding change: c.580C>T on transcript NM_001277.3 (MANE Select); coding-DNA position 580, C replaced by T.
Protein change: p.Pro194Ser; replaces proline 194 with serine.
Molecular consequence: missense variant. On other transcripts: non-coding transcript variant (1), intron variant (1).
Genome position (GRCh38, 1-based): chr11:68,074,767, G>A on the plus strand (C>T on the coding strand, the complement: CHKA is on the minus strand). VCF-style: chr11-68074767-G-A. GRCh37 (hg19) VCF-style: chr11-67842234-G-A.
Other names: c.610C>T, p.Pro204Ser (NM_001376219.1); c.214C>T, p.Pro72Ser (NM_001376221.1); c.160C>T, p.Pro54Ser (NM_001376222.1); c.526C>T, p.Pro176Ser (NM_212469.2); c.517-3910C>T (NM_001376220.1); short protein forms P176S, P194S, P204S, P54S, P72S.
Identifiers: ClinVar variation 1325846 (VCV001325846.3), dbSNP rs763056271, ClinGen allele CA6147839.